The following is an entry in ClinVar:

ClinVar aggregate classification (germline): Uncertain significance (1 of 4 stars; one submission).

Allele frequency attached by ClinVar (database versions not stated): gnomAD exomes below 0.00001; gnomAD 0.00001; TOPMed 0.00001.
gnomAD v4.1: 2 of 1,614,116 alleles (0.00012%); highest among the groups gnomAD compares: African/African-American, 0.0013%; no homozygotes.

Submission:

GeneDx
Classification: Uncertain significance. Last evaluated: 2019-01-15. Review status: criteria provided, single submitter. Criteria: GeneDx Variant Classification Process June 2021. Collection method: clinical testing. Allele origin: germline. Affected: yes.
Comment: In silico analysis, which includes protein predictors and evolutionary conservation, supports a deleterious effect; Has not been previously published as pathogenic or benign to our knowledge

NM_001371623.1(TCOF1):c.2027C>G (p.Ala676Gly)

Gene: TCOF1 (treacle ribosome biogenesis factor 1; plus strand). Cytogenetic location: 5q32.
Variant type: single nucleotide variant.
Coding change: c.2027C>G on transcript NM_001371623.1 (MANE Select); coding-DNA position 2027, C replaced by G.
Protein change: p.Ala676Gly; replaces alanine 676 with glycine.
Molecular consequence: missense variant.
Genome position (GRCh38, 1-based): chr5:150,376,215, C>G. VCF-style: chr5-150376215-C-G. GRCh37 (hg19) VCF-style: chr5-149755778-C-G.
Other names: c.1796C>G, p.Ala599Gly (NM_000356.4, NM_001135245.2); c.2027C>G, p.Ala676Gly (NM_001008657.3, NM_001135243.2, NM_001135244.2 and 1 more transcripts); short protein forms A599G, A676G.
Identifiers: ClinVar variation 1304461 (VCV001304461.2), dbSNP rs940019706, ClinGen allele CA129136652.
Genomic context (GRCh38, chr5:150,376,215, plus strand): 5'-TCGCCCCTGTGCGAGTGGGCACCCAAGCCCCCCGGAAAGCAGGAACTGCGACTTCTCCAG[C>G]AGGCTCATCCCCAGCTGTGGCTGGGGGCACCCAGAGACCAGCAGAGGATTCTTCAAGCAG-3'
Protein context (NP_001358552.1, residues 666-686): PRKAGTATSP[Ala676Gly]GSSPAVAGGT